The following is an entry in ClinVar:

ClinVar aggregate classification (germline): Uncertain significance. Review status: criteria provided, multiple submitters, no conflicts (2 of 4 stars). 2 submissions from 2 submitters: Uncertain significance (2). Last evaluated 2024-06-13.

Conditions:
Glomerulopathy with fibronectin deposits 2 (GFND2). Identifiers: Orphanet 84090, MedGen C1866075, MONDO:0011165, OMIM 601894.
Spondylometaphyseal dysplasia - Sutcliffe type. Also called: Sutcliffe type of spondylometaphyseal dysplasia; Sutcliffe SMD; Spondylometaphyseal dysplasia, 'corner fracture' type; Spondylometaphyseal Dysplasia, Corner Fracture Type. Identifiers: Orphanet 93315, MedGen C0432221, MONDO:0008479, OMIM 184255.

Allele frequency attached by ClinVar (database versions not stated): ExAC 0.00001; gnomAD 0.00001; gnomAD exomes 0.00002; TOPMed 0.00002; ESP Exome Variant Server 0.00008.
gnomAD v4.1: 35 of 1,613,988 alleles (0.0022%); highest among the groups gnomAD compares: East Asian, 0.0045%; no homozygotes.

Submissions (2):

Labcorp Genetics (formerly Invitae), Labcorp
Classification: Uncertain significance. Last evaluated: 2024-06-13. Review status: criteria provided, single submitter. Criteria: Invitae Variant Classification Sherloc (09022015). Collection method: clinical testing. Allele origin: germline.
Comment: This sequence change replaces valine, which is neutral and non-polar, with methionine, which is neutral and non-polar, at codon 1868 of the FN1 protein (p.Val1868Met). This variant is present in population databases (rs369072643, gnomAD 0.02%). This missense change has been observed in individuals with clinical features of spondylometaphyseal dysplasia, 'corner fracture' type and/or glomerulopathy with fibronectin deposits (PMID: 35395622; Invitae). It has also been observed to segregate with disease in related individuals. ClinVar contains an entry for this variant (Variation ID: 1051358). An algorithm developed to predict the effect of missense changes on protein structure and function (PolyPhen-2) suggests that this variant is likely to be disruptive. In summary, the available evidence is currently insufficient to determine the role of this variant in disease. Therefore, it has been classified as a Variant of Uncertain Significance.

Fulgent Genetics
Classification: Uncertain significance for Spondylometaphyseal dysplasia - Sutcliffe type; Glomerulopathy with fibronectin deposits 2. Last evaluated: 2022-05-19. Review status: criteria provided, single submitter. Criteria: ACMG Guidelines, 2015. Collection method: clinical testing. Allele origin: unknown.

Literature cited by the submitters: PubMed 35395622 (cited by Labcorp Genetics (formerly Invitae), Labcorp).

NM_212482.4(FN1):c.5602G>A (p.Val1868Met)

Gene: FN1 (fibronectin 1; minus strand). Cytogenetic location: 2q35.
Variant type: single nucleotide variant.
Coding change: c.5602G>A on transcript NM_212482.4 (MANE Select); coding-DNA position 5602, G replaced by A.
Protein change: p.Val1868Met; replaces valine 1868 with methionine.
Molecular consequence: missense variant.
Genome position (GRCh38, 1-based): chr2:215,379,150, C>T on the plus strand (G>A on the coding strand, the complement: FN1 is on the minus strand). VCF-style: chr2-215379150-C-T. GRCh37 (hg19) VCF-style: chr2-216243873-C-T.
Other names: c.5602G>A, p.Val1868Met (NM_001306129.2); c.5332G>A, p.Val1778Met (NM_001306130.2, NM_001365517.2, NM_001365519.2 and 2 more transcripts); c.5059G>A, p.Val1687Met (NM_001306131.2, NM_001306132.2, NM_001365523.2 and 2 more transcripts); c.5329G>A, p.Val1777Met (NM_001365518.2, NM_001365520.2, NM_001365524.2 and 2 more transcripts); short protein forms V1687M, V1777M, V1778M, V1868M.
Identifiers: ClinVar variation 1051358 (VCV001051358.8), dbSNP rs369072643, ClinGen allele CA2094105.